The following is an entry in ClinVar:

ClinVar aggregate classification (germline): Likely pathogenic (1 of 4 stars; one submission).

Submission:

GeneDx
Classification: Likely pathogenic. Last evaluated: 2025-06-23. Review status: criteria provided, single submitter. Criteria: GeneDx Variant Classification Process June 2021. Collection method: clinical testing. Allele origin: germline. Affected: yes.
Comment: Has not been previously published as pathogenic or benign to our knowledge; Canonical splice site variant predicted to result in an in-frame loss of the adjacent exon in a gene for which loss of function is a known mechanism of disease; Not observed at significant frequency in large population cohorts (gnomAD)

NM_001001331.4(ATP2B2):c.3130-2A>C

Gene: ATP2B2 (ATPase plasma membrane Ca2+ transporting 2; minus strand). Cytogenetic location: 3p25.3.
Variant type: single nucleotide variant.
Coding change: c.3130-2A>C on transcript NM_001001331.4 (MANE Select); the canonical splice acceptor site of the intron before coding-DNA position 3130, A replaced by C.
Molecular consequence: splice acceptor variant.
Genome position (GRCh38, 1-based): chr3:10,340,351, T>G on the plus strand (A>C on the coding strand, the complement: ATP2B2 is on the minus strand). VCF-style: chr3-10340351-T-G. GRCh37 (hg19) VCF-style: chr3-10382035-T-G.
Other names: c.2995-2A>C (NM_001438036.1, NM_001353564.1, NM_001683.5 and 2 more transcripts); c.3037-2A>C (NM_001438646.1).
Identifiers: ClinVar variation 4539974 (VCV004539974.1).